The following is an entry in ClinVar:

ClinVar aggregate classification (germline): Likely pathogenic. Review status: criteria provided, single submitter (1 of 4 stars). 2 submissions from 2 submitters: Likely pathogenic (1). 1 of the submissions does not count toward it. Last evaluated 2024-04-02.

Conditions:
ASXL3-related disorder. Also called: ASXL3-related condition. Identifiers: MedGen CN381524.

Submissions (2):

GeneDx
Classification: Likely pathogenic. Last evaluated: 2024-04-02. Review status: criteria provided, single submitter. Criteria: GeneDx Variant Classification Process June 2021. Collection method: clinical testing. Allele origin: germline. Affected: yes.
Comment: Frameshift variant predicted to result in protein truncation or nonsense mediated decay in a gene for which loss of function is a known mechanism of disease; Not observed at significant frequency in large population cohorts (gnomAD); Has not been previously published as pathogenic or benign to our knowledge

PreventionGenetics, part of Exact Sciences
Classification: Likely pathogenic for ASXL3-related condition. Last evaluated: 2023-11-27. Review status: no assertion criteria provided. Collection method: clinical testing. Allele origin: germline. Not counted in ClinVar's aggregate classification.
Comment: The ASXL3 c.2070delA variant is predicted to result in a frameshift and premature protein termination (p.Glu691Lysfs*10). To our knowledge, this variant has not been reported in the literature or in a large population database, indicating this variant is rare. Frameshift variants in ASXL3 are expected to be pathogenic. This variant is interpreted as likely pathogenic.

NM_030632.3(ASXL3):c.2070del (p.Glu691fs)

Gene: ASXL3 (ASXL transcriptional regulator 3; plus strand). Cytogenetic location: 18q12.1.
Variant type: Deletion.
Coding change: c.2070del on transcript NM_030632.3 (MANE Select); coding-DNA position 2070, one base deleted (A; older notation c.2070delA).
Protein change: p.Glu691fs; shifts the reading frame from glutamic acid 691.
Molecular consequence: frameshift variant.
Genome position (GRCh38, 1-based): chr18:33,739,474, A deleted. VCF-style (leftmost placement, unchanged base first): chr18-33739473-CA-C. GRCh37 (hg19) VCF-style: chr18-31319437-CA-C.
Other names: c.2070del (NM_030632.1); short protein forms E691fs.
Identifiers: ClinVar variation 3042056 (VCV003042056.3), dbSNP rs2510918585, ClinGen allele CA2740091791.